The following is an entry in ClinVar:

ClinVar aggregate classification (germline): Uncertain significance (1 of 4 stars; one submission).

Conditions:
Hereditary cancer-predisposing syndrome. Also called: Hereditary neoplastic syndrome; Tumor predisposition; Hereditary Cancer Syndrome; Neoplastic Syndromes, Hereditary. Identifiers: Orphanet 140162, MedGen C0027672, MeSH D009386, MONDO:0015356.

Submission:

Labcorp Genetics (formerly Invitae), Labcorp
Classification: Uncertain significance for Hereditary cancer-predisposing syndrome. Last evaluated: 2025-11-03. Review status: criteria provided, single submitter. Criteria: Invitae Variant Classification Sherloc (09022015). Collection method: clinical testing. Allele origin: germline.
Comment: This sequence change replaces glutamine, which is neutral and polar, with glutamic acid, which is acidic and polar, at codon 966 of the RAD50 protein (p.Gln966Glu). This variant is not present in population databases (gnomAD no frequency). This variant has not been reported in the literature in individuals affected with RAD50-related conditions. ClinVar contains an entry for this variant (Variation ID: 3705518). Invitae Evidence Modeling of protein sequence and biophysical properties (such as structural, functional, and spatial information, amino acid conservation, physicochemical variation, residue mobility, and thermodynamic stability) indicates that this missense variant is not expected to disrupt RAD50 protein function with a negative predictive value of 80%. In summary, the available evidence is currently insufficient to determine the role of this variant in disease. Therefore, it has been classified as a Variant of Uncertain Significance.

NM_005732.4(RAD50):c.2896C>G (p.Gln966Glu)

Gene: RAD50 (RAD50 double strand break repair protein; plus strand). Cytogenetic location: 5q31.1.
Variant type: single nucleotide variant.
Coding change: c.2896C>G on transcript NM_005732.4 (MANE Select); coding-DNA position 2896, C replaced by G.
Protein change: p.Gln966Glu; replaces glutamine 966 with glutamic acid.
Molecular consequence: missense variant.
Genome position (GRCh38, 1-based): chr5:132,609,183, C>G. VCF-style: chr5-132609183-C-G. GRCh37 (hg19) VCF-style: chr5-131944875-C-G.
Other names: short protein forms Q966E.
Identifiers: ClinVar variation 3705518 (VCV003705518.2).